The following is an entry in ClinVar:

NM_004656.4(BAP1):c.660-10G>A

Gene: BAP1 (BRCA1 associated deubiquitinase 1; minus strand). Cytogenetic location: 3p21.1.
Variant type: single nucleotide variant.
Coding change: c.660-10G>A on transcript NM_004656.4 (MANE Select); 10 bases into the intron before coding-DNA position 660, G replaced by A.
Molecular consequence: intron variant.
Genome position (GRCh38, 1-based): chr3:52,406,386, C>T on the plus strand (G>A on the coding strand, the complement: BAP1 is on the minus strand). VCF-style: chr3-52406386-C-T. GRCh37 (hg19) VCF-style: chr3-52440402-C-T.
Identifiers: ClinVar variation 539928 (VCV000539928.16), dbSNP rs749460317, ClinGen allele CA2437021.
Genomic context (GRCh38, chr3:52,406,386, plus strand): 5'-CGGTCGGGCACCACTGCCATCAGGTTGAAGCGGATGTCGTGGTAGGGCTCCCTGCAGTCA[C>T]AGCCGCAGCCGTGAGAGCAGCTCCCGCCCCGGCCCCGCCATCAGGTTGAGGCAGATATCC-3'

ClinVar aggregate classification (germline): Conflicting classifications of pathogenicity. Review status: criteria provided, conflicting classifications (1 of 4 stars). 3 submissions from 3 submitters: Uncertain significance (1); Benign (1); Likely benign (1). Last evaluated 2026-01-19.

Conditions:
Hereditary cancer-predisposing syndrome. Also called: Neoplastic Syndromes, Hereditary; Hereditary Cancer Syndrome; Hereditary neoplastic syndrome; Tumor predisposition. Identifiers: Orphanet 140162, MedGen C0027672, MeSH D009386, MONDO:0015356.
BAP1-related tumor predisposition syndrome (TPDS1). Also called: COMMON Syndrome; TUMOR PREDISPOSITION SYNDROME 1; BAP1 tumor predisposition syndrome; Tumor susceptibility linked to germline BAP1 mutations. Identifiers: Orphanet 289539, MedGen C3280492, MONDO:0013692, OMIM 614327.

Allele frequency attached by ClinVar (database versions not stated): gnomAD below 0.00001 and 0.00001; gnomAD exomes 0.00001; TOPMed 0.00001; ExAC 0.00002.
gnomAD v4.1: 19 of 1,612,184 alleles (0.0012%); highest among the groups gnomAD compares: South Asian, 0.0022%; no homozygotes.

Submissions (3):

Labcorp Genetics (formerly Invitae), Labcorp
Classification: Likely benign for BAP1-related tumor predisposition syndrome. Last evaluated: 2026-01-19. Review status: criteria provided, single submitter. Criteria: Invitae Variant Classification Sherloc (09022015). Collection method: clinical testing. Allele origin: germline.

Myriad Genetics, Inc.
Classification: Benign for BAP1-related tumor predisposition syndrome. Last evaluated: 2024-07-15. Review status: criteria provided, single submitter. Criteria: Myriad Autosomal Dominant, Autosomal Recessive and X-Linked Classification Criteria (2023). Collection method: clinical testing. Allele origin: unknown.
Comment: This variant is considered benign. This variant is intronic and is not expected to impact mRNA splicing. This variant has been observed at a population frequency that is significantly greater than expected given the associated disease prevalence and penetrance.

Color Diagnostics, LLC DBA Color Health
Classification: Uncertain significance for Hereditary cancer-predisposing syndrome. Last evaluated: 2024-03-11. Review status: criteria provided, single submitter. Criteria: ACMG Guidelines, 2015. Collection method: clinical testing. Allele origin: germline.
Comment: This variant causes a G to A nucleotide substitution at the -10 position of intron 8 of the BAP1 gene. To our knowledge, functional studies have not been reported for this variant. This variant has not been reported in individuals affected with hereditary cancer in the literature. This variant has been identified in 3/247738 chromosomes in the general population by the Genome Aggregation Database (gnomAD). The available evidence is insufficient to determine the role of this variant in disease conclusively. Therefore, this variant is classified as a Variant of Uncertain Significance.